The following is an entry in ClinVar:

NM_020778.5(ALPK3):c.1219C>T (p.Pro407Ser)

Gene: ALPK3 (alpha kinase 3; plus strand). Cytogenetic location: 15q25.3.
Variant type: single nucleotide variant.
Coding change: c.1219C>T on transcript NM_020778.5 (MANE Select); coding-DNA position 1219, C replaced by T.
Protein change: p.Pro407Ser; replaces proline 407 with serine.
Molecular consequence: missense variant.
Genome position (GRCh38, 1-based): chr15:84,840,498, C>T. VCF-style: chr15-84840498-C-T. GRCh37 (hg19) VCF-style: chr15-85383729-C-T.
Other names: short protein forms P407S.
Identifiers: ClinVar variation 4774554 (VCV004774554.1).
Genomic context (GRCh38, chr15:84,840,498, plus strand): 5'-AGGAAGCCAGCCTCTGCTGTGGGCACTCCAGACAAGGCCCAGAAGGCCCCTGGCCCAGGC[C>T]CAGGCCAGGAAGTGTATTTCTCCTTGAAGGACATGTACCTGGAGAACACCCAGGCAGTCA-3'
Protein context (NP_065829.4, residues 397-417): DKAQKAPGPG[Pro407Ser]GQEVYFSLKD

ClinVar aggregate classification (germline): Uncertain significance (1 of 4 stars; one submission).

Submission:

Labcorp Genetics (formerly Invitae), Labcorp
Classification: Uncertain significance. Last evaluated: 2025-12-13. Review status: criteria provided, single submitter. Criteria: Invitae Variant Classification Sherloc (09022015). Collection method: clinical testing. Allele origin: germline.
Comment: This sequence change replaces proline, which is neutral and non-polar, with serine, which is neutral and polar, at codon 609 of the ALPK3 protein (p.Pro609Ser). This variant is present in population databases (no rsID available, gnomAD 0.003%). This variant has not been reported in the literature in individuals affected with ALPK3-related conditions. Invitae Evidence Modeling of protein sequence and biophysical properties (such as structural, functional, and spatial information, amino acid conservation, physicochemical variation, residue mobility, and thermodynamic stability) indicates that this missense variant is not expected to disrupt ALPK3 protein function with a negative predictive value of 80%. In summary, the available evidence is currently insufficient to determine the role of this variant in disease. Therefore, it has been classified as a Variant of Uncertain Significance.